The following is an entry in ClinVar:

NM_002519.3(NPAT):c.2695G>A (p.Ala899Thr)

Gene: NPAT (nuclear protein, coactivator of histone transcription; minus strand). Cytogenetic location: 11q22.3.
Variant type: single nucleotide variant.
Coding change: c.2695G>A on transcript NM_002519.3 (MANE Select); coding-DNA position 2695, G replaced by A.
Protein change: p.Ala899Thr; replaces alanine 899 with threonine.
Molecular consequence: missense variant.
Genome position (GRCh38, 1-based): chr11:108,172,289, C>T on the plus strand (G>A on the coding strand, the complement: NPAT is on the minus strand). VCF-style: chr11-108172289-C-T. GRCh37 (hg19) VCF-style: chr11-108043016-C-T.
Other names: c.2695G>A, p.Ala899Thr (NM_001321307.1); short protein forms A899T.
Identifiers: ClinVar variation 2567997 (VCV002567997.2), dbSNP rs1308590465, ClinGen allele CA382512432.
Genomic context (GRCh38, chr11:108,172,289, plus strand): 5'-TGACAGCAAATACACTGTTTGACCTTGGTGGTGTCTGTAACTGAGGTGGTAGAGGTTGAG[C>T]AGTCATAGGTGCAGAATTTCCAGGCAACACCACTACATTAGACTGACTTACAGATGTTCC-3'
Protein context (NP_002510.2, residues 889-909): VLPGNSAPMT[Ala899Thr]QPLPPQLQTP

ClinVar aggregate classification (germline): Uncertain significance (1 of 4 stars; one submission).

Allele frequency attached by ClinVar (database versions not stated): TOPMed below 0.00001.
gnomAD v4.1: 1 of 1,614,058 alleles (0.000062%); highest among the groups gnomAD compares: Non-Finnish European, 0.000085%; no homozygotes.

Submission:

Ambry Genetics
Classification: Uncertain significance. Last evaluated: 2023-05-14. Review status: criteria provided, single submitter. Criteria: Ambry Variant Classification Scheme 2023. Collection method: clinical testing. Allele origin: germline.
Comment: The p.A899T variant (also known as c.2695G>A), located in coding exon 13 of the NPAT gene, results from a G to A substitution at nucleotide position 2695. The alanine at codon 899 is replaced by threonine, an amino acid with similar properties. This amino acid position is conserved. In addition, this alteration is predicted to be tolerated by in silico analysis. Since supporting evidence is limited at this time, the clinical significance of this alteration remains unclear.